The following is an entry in ClinVar:

ClinVar aggregate classification (germline): Benign. Review status: criteria provided, multiple submitters, no conflicts (2 of 4 stars). 3 submissions from 3 submitters: Benign (3). Last evaluated 2023-11-12.

Allele frequency attached by ClinVar (database versions not stated): 1000 Genomes Project 0.17712; 1000 Genomes Project 30x 0.18082; TOPMed 0.21705; ESP Exome Variant Server 0.22919.
gnomAD v4.1: 354,293 of 1,610,152 alleles (22%); highest among the groups gnomAD compares: Non-Finnish European, 23%; 40,029 homozygotes.

Submissions (3):

Unidad de Genómica Garrahan, Hospital de Pediatría Garrahan
Classification: Benign. Last evaluated: 2023-11-12. Review status: criteria provided, single submitter. Criteria: ACMG Guidelines, 2015. Collection method: clinical testing. Allele origin: germline. Affected: no. Observed: 31 variant alleles.
Comment: This variant is classified as Benign based on local population frequency. This variant was detected in 32% of patients studied by a panel of primary immunodeficiencies. Number of patients: 31. Only high quality variants are reported.

Breakthrough Genomics
Classification: Benign. Review status: criteria provided, single submitter. Criteria: ACMG Guidelines, 2015. Collection method: not provided. Allele origin: germline. Inheritance: Autosomal recessive inheritance. Affected: yes.

PreventionGenetics, part of Exact Sciences
Classification: Benign. Review status: criteria provided, single submitter. Criteria: ACMG Guidelines, 2015. Collection method: clinical testing. Allele origin: germline.

NM_199242.3(UNC13D):c.261+26C>G

Gene: UNC13D (unc-13 homolog D; minus strand). Cytogenetic location: 17q25.1.
Variant type: single nucleotide variant.
Coding change: c.261+26C>G on transcript NM_199242.3 (MANE Select); 26 bases into the intron after coding-DNA position 261, C replaced by G.
Molecular consequence: intron variant.
Genome position (GRCh38, 1-based): chr17:75,843,133, G>C on the plus strand (C>G on the coding strand, the complement: UNC13D is on the minus strand). VCF-style: chr17-75843133-G-C. GRCh37 (hg19) VCF-style: chr17-73839214-G-C.
Identifiers: ClinVar variation 263229 (VCV000263229.5), dbSNP rs3744008, ClinGen allele CA8773562.